The following is an entry in ClinVar:

NM_006904.7(PRKDC):c.916G>A (p.Val306Ile)

Gene: PRKDC (protein kinase, DNA-activated, catalytic subunit; minus strand). Cytogenetic location: 8q11.21.
Variant type: single nucleotide variant.
Coding change: c.916G>A on transcript NM_006904.7 (MANE Select); coding-DNA position 916, G replaced by A.
Protein change: p.Val306Ile; replaces valine 306 with isoleucine.
Molecular consequence: missense variant.
Genome position (GRCh38, 1-based): chr8:47,943,259, C>T on the plus strand (G>A on the coding strand, the complement: PRKDC is on the minus strand). VCF-style: chr8-47943259-C-T. GRCh37 (hg19) VCF-style: chr8-48855819-C-T.
Other names: c.916G>A, p.Val306Ile (NM_001081640.2); short protein forms V306I.
Identifiers: ClinVar variation 1467756 (VCV001467756.6), dbSNP rs2154504129, ClinGen allele CA371136093.
Genomic context (GRCh38, chr8:47,943,259, plus strand): 5'-TTTGTGGTACCTGTTTCAGAAAGGATTCCAGGGCTGAAAGTGCAGCTTTTTTCAATTCTA[C>T]ATTTGTGTGGGCACACCACTTTAACAAGACTTCAAATAGAGACACGTAGTTGTCCAGAAG-3'
Protein context (NP_008835.5, residues 296-316): VLLKWCAHTN[Val306Ile]ELKKAALSAL

ClinVar aggregate classification (germline): Uncertain significance (1 of 4 stars; one submission).

Conditions:
Severe combined immunodeficiency due to DNA-PKcs deficiency. Also called: Immunodeficiency 26 with or without neurologic abnormalities; IMMUNODEFICIENCY 26 WITH NEUROLOGIC ABNORMALITIES. Identifiers: Orphanet 317425, MedGen C4014833, MONDO:0014423, OMIM 615966.

Submission:

Labcorp Genetics (formerly Invitae), Labcorp
Classification: Uncertain significance for Severe combined immunodeficiency due to DNA-PKcs deficiency. Last evaluated: 2021-05-04. Review status: criteria provided, single submitter. Criteria: Invitae Variant Classification Sherloc (09022015). Collection method: clinical testing. Allele origin: germline.
Comment: This sequence change replaces valine with isoleucine at codon 306 of the PRKDC protein (p.Val306Ile). The valine residue is weakly conserved and there is a small physicochemical difference between valine and isoleucine. This variant is not present in population databases (ExAC no frequency). This variant has not been reported in the literature in individuals with PRKDC-related conditions. Experimental studies and prediction algorithms are not available or were not evaluated, and the functional significance of this variant is currently unknown. In summary, the available evidence is currently insufficient to determine the role of this variant in disease. Therefore, it has been classified as a Variant of Uncertain Significance.